The following is an entry in ClinVar:

ClinVar aggregate classification (germline): Uncertain significance (1 of 4 stars; one submission).

Submission:

GeneDx
Classification: Uncertain significance. Last evaluated: 2019-04-16. Review status: criteria provided, single submitter. Criteria: GeneDx Variant Classification Process June 2021. Collection method: clinical testing. Allele origin: germline. Affected: yes.
Comment: Has not been previously published as pathogenic or benign to our knowledge; Not observed in large population cohorts (Lek et al., 2016); In silico analysis, which includes protein predictors and evolutionary conservation, supports that this variant does not alter protein structure/function

NM_014141.6(CNTNAP2):c.98A>G (p.Gln33Arg)

Gene: CNTNAP2 (contactin associated protein 2; plus strand). Cytogenetic location: 7q35.
Variant type: single nucleotide variant.
Coding change: c.98A>G on transcript NM_014141.6 (MANE Select); coding-DNA position 98, A replaced by G.
Protein change: p.Gln33Arg; replaces glutamine 33 with arginine.
Molecular consequence: missense variant.
Genome position (GRCh38, 1-based): chr7:146,774,271, A>G. VCF-style: chr7-146774271-A-G. GRCh37 (hg19) VCF-style: chr7-146471363-A-G.
Other names: short protein forms Q33R.
Identifiers: ClinVar variation 1316526 (VCV001316526.2), dbSNP rs2129185951, ClinGen allele CA369922219.
Genomic context (GRCh38, chr7:146,774,271, plus strand): 5'-CAATCGTTATTTCGAAATCGTTGTTGAGTGTCTCTCTCCCTCTCTGTCTTTTGTTTTCAG[A>G]AAAATGTGATGAGCCACTTGTCTCTGGACTCCCCCATGTGGCTTTCAGCAGCTCCTCCTC-3'
Protein context (NP_054860.1, residues 23-43): CRAWTAPSTS[Gln33Arg]KCDEPLVSGL